The following is an entry in ClinVar:

NM_000535.7(PMS2):c.804-45C>T

Gene: PMS2 (PMS1 homolog 2, mismatch repair system component; minus strand). Cytogenetic location: 7p22.1.
Variant type: single nucleotide variant.
Coding change: c.804-45C>T on transcript NM_000535.7 (MANE Select); 45 bases into the intron before coding-DNA position 804, C replaced by T.
Molecular consequence: intron variant.
Genome position (GRCh38, 1-based): chr7:5,995,678, G>A on the plus strand (C>T on the coding strand, the complement: PMS2 is on the minus strand). VCF-style: chr7-5995678-G-A. GRCh37 (hg19) VCF-style: chr7-6035309-G-A.
Other names: c.486-45C>T (NM_001322008.2, NM_001406902.1, NM_001406883.1 and 4 more transcripts); c.495-45C>T (NM_001406881.1, NM_001406879.1, NM_001322015.2 and 6 more transcripts); c.399-45C>T (NM_001406895.1, NM_001322010.2, NM_001322004.2 and 19 more transcripts); c.133-3621C>T (NM_001406911.1); c.291-45C>T (NM_001406904.1, NM_001406905.1); c.231-45C>T (NM_001322013.2, NM_001406909.1); c.-130-45C>T (NM_001322012.2, NM_001322011.2); c.468-45C>T (NM_001406885.1); and 8 more.
Identifiers: ClinVar variation 3903687 (VCV003903687.1).

ClinVar aggregate classification (germline): Benign (1 of 4 stars; one submission).

Conditions:
Lynch syndrome 4 (LYNCH4). Also called: Colorectal cancer, hereditary nonpolyposis, type 4; Hereditary non-polyposis colorectal cancer, type 4. Identifiers: Orphanet 144, MedGen C1838333, MONDO:0013699, OMIM 614337. Disease mechanism: loss of function.

Submission:

Myriad Genetics, Inc.
Classification: Benign for Lynch syndrome 4. Last evaluated: 2025-01-28. Review status: criteria provided, single submitter. Criteria: Myriad Autosomal Dominant, Autosomal Recessive and X-Linked Classification Criteria (2023). Collection method: clinical testing. Allele origin: unknown.
Comment: This variant is considered benign. This variant is intronic and is not expected to impact mRNA splicing.